The following is an entry in ClinVar:

ClinVar aggregate classification (germline): Uncertain significance (1 of 4 stars; one submission).

Submission:

GeneDx
Classification: Uncertain significance. Last evaluated: 2023-05-22. Review status: criteria provided, single submitter. Criteria: GeneDx Variant Classification Process June 2021. Collection method: clinical testing. Allele origin: germline. Affected: yes.
Comment: Not observed at significant frequency in large population cohorts (gnomAD); In silico analysis supports that this missense variant does not alter protein structure/function; In silico analysis suggests this variant may impact gene splicing. In the absence of RNA/functional studies, the actual effect of this sequence change is unknown.; Has not been previously published as pathogenic or benign to our knowledge

NM_003797.5(EED):c.1126A>T (p.Met376Leu)

Gene: EED (embryonic ectoderm development; plus strand). Cytogenetic location: 11q14.2.
Variant type: single nucleotide variant.
Coding change: c.1126A>T on transcript NM_003797.5 (MANE Select); coding-DNA position 1126, A replaced by T.
Protein change: p.Met376Leu; replaces methionine 376 with leucine.
Molecular consequence: missense variant.
Genome position (GRCh38, 1-based): chr11:86,277,918, A>T. VCF-style: chr11-86277918-A-T. GRCh37 (hg19) VCF-style: chr11-85988960-A-T.
Other names: c.1201A>T, p.Met401Leu (NM_001308007.2); c.886A>T, p.Met296Leu (NM_001330334.2); short protein forms M296L, M376L, M401L.
Identifiers: ClinVar variation 3361939 (VCV003361939.1).